The following is an entry in ClinVar:

ClinVar aggregate classification (germline): Uncertain significance (1 of 4 stars; one submission).

Conditions:
Cardiovascular phenotype. Identifiers: MedGen CN230736.

Allele frequency attached by ClinVar (database versions not stated): gnomAD exomes below 0.00001.

Submission:

Ambry Genetics
Classification: Uncertain significance for Cardiovascular phenotype. Last evaluated: 2022-08-20. Review status: criteria provided, single submitter. Criteria: Ambry Variant Classification Scheme 2023. Collection method: clinical testing. Allele origin: germline.
Comment: The p.G2713E variant (also known as c.8138G>A), located in coding exon 2 of the ZNF469 gene, results from a G to A substitution at nucleotide position 8138. The glycine at codon 2713 is replaced by glutamic acid, an amino acid with similar properties. This amino acid position is conserved. In addition, this alteration is predicted to be tolerated by in silico analysis. Since supporting evidence is limited at this time, the clinical significance of this alteration remains unclear.

NM_001367624.2(ZNF469):c.8222G>A (p.Gly2741Glu)

Gene: ZNF469 (zinc finger protein 469; plus strand). Cytogenetic location: 16q24.2.
Variant type: single nucleotide variant.
Coding change: c.8222G>A on transcript NM_001367624.2 (MANE Select); coding-DNA position 8222, G replaced by A.
Protein change: p.Gly2741Glu; replaces glycine 2741 with glutamic acid.
Molecular consequence: missense variant.
Genome position (GRCh38, 1-based): chr16:88,435,692, G>A. VCF-style: chr16-88435692-G-A. GRCh37 (hg19) VCF-style: chr16-88502100-G-A.
Other names: NM_001127464.1:c.8138G>A; short protein forms G2741E.
Identifiers: ClinVar variation 1762141 (VCV001762141.2), dbSNP rs1200766058, ClinGen allele CA397116692.